The following continues an entry in ClinVar:

NM_007294.4(BRCA1):c.811G>A (p.Val271Met)

Gene: BRCA1. ClinVar aggregate classification (germline): Benign. Benign (1).

Submissions 13 to 22 of 22:

Illumina Laboratory Services, Illumina
Classification: Likely benign for Breast-ovarian cancer, familial, susceptibility to, 1. Last evaluated: 2017-05-03. Review status: criteria provided, single submitter. Criteria: ICSL Variant Classification Criteria 13 December 2019. Collection method: clinical testing. Allele origin: germline. Not counted in ClinVar's aggregate classification.
Comment: This variant was observed as part of a predisposition screen in an ostensibly healthy population. A literature search was performed for the gene, cDNA change, and amino acid change (where applicable). Publications were found based on this search. The evidence from the literature, in combination with allele frequency data from public databases where available, was sufficient to determine this variant is unlikely to cause disease. Therefore, this variant is classified as likely benign.

Color Diagnostics, LLC DBA Color Health
Classification: Likely benign for Hereditary cancer-predisposing syndrome. Last evaluated: 2016-10-13. Review status: criteria provided, single submitter. Criteria: ACMG Guidelines, 2015. Collection method: clinical testing. Allele origin: germline. Not counted in ClinVar's aggregate classification.

CSER _CC_NCGL, University of Washington
Classification: Likely benign for Hereditary Breast and Ovarian Cancer Syndrome. Last evaluated: 2015-03-11. Review status: criteria provided, single submitter. Criteria: Amendola et al. (Genome Res. 2015). Collection method: research. Allele origin: germline. Inheritance: Autosomal dominant inheritance. Study: CSER - NEXT Medicine variant annotation. Not counted in ClinVar's aggregate classification.

3DMed Clinical Laboratory Inc
Classification: Likely benign for Cancer of the pancreas. Last evaluated: 2018-05-21. Review status: no assertion criteria provided. Criteria: ACMG Guidelines, 2015. Collection method: clinical testing. Allele origin: germline. Affected: yes. Not counted in ClinVar's aggregate classification.

Counsyl
Classification: Likely benign for Breast-ovarian cancer, familial, susceptibility to, 1. Last evaluated: 2017-06-23. Review status: no assertion criteria provided. Collection method: clinical testing. Allele origin: unknown. Not counted in ClinVar's aggregate classification.

Breast Cancer Information Core (BIC) (BRCA1)
Classification: Uncertain significance for Breast-ovarian cancer, familial 1. Last evaluated: 2004-02-20. Review status: no assertion criteria provided. Collection method: clinical testing. Allele origin: germline. Affected: yes. Observed: 4 variant alleles. Not counted in ClinVar's aggregate classification.

Center for Precision Medicine, Meizhou People's Hospital
Classification: Likely benign for Familial cancer of breast. Review status: no assertion criteria provided. Collection method: literature only. Allele origin: germline. Affected: yes. Not counted in ClinVar's aggregate classification.

Department of Pathology and Laboratory Medicine, Sinai Health System
Classification: Likely benign for Malignant tumor of breast. Review status: no assertion criteria provided. Collection method: clinical testing. Allele origin: unknown. Affected: yes. Observed: 2 variant alleles. Study: The Canadian Open Genetics Repository (COGR). Not counted in ClinVar's aggregate classification.
Comment: The BRCA1 p.Val271Met variant has been observed in the literature in 4/1586 proband chromosomes of individuals with sporadic breast cancer. It was also found in 6/334 control chromosomes evaluated (Abkevich 2004, Judkins 2005, Han 2006). In one of these studies that sequenced BRCA1 in a large data set of 55,630 patients, the variant was observed to co-occur with another known deleterious BRCA1 mutation (p.L63X) in trans, increasing the likelihood that the p.Val271Met variant does not have any clinical significance. It is listed in the dbSNP (ID: rs80357244) as coming from a clinical source with a MAF score of 0.001, though it was only observed in one chromosome in the 1000 Genomes study. The p.Val271 residue is conserved across mammals and computational analyses (PolyPhen, SIFT, AlignGVGD) suggest that the p.Val271Met variant may impact the protein. However, this information is not predictive enough to assume pathogenicity. The variant was also reported in the BIC database (x4) as a variant with unknown clinical significance and in the LOVD database in 2 studies that predict the variant to be neutral or of little clinical significance. In summary, the clinical significance of this variant cannot be determined with certainty at this time, although we would lean towards a more benign role for this variant. This variant is classified as Predicted Benign.

Laboratory of Molecular Epidemiology of Birth Defects, West China Second University Hospital, Sichuan University
Classification: Likely pathogenic for Ovarian cancer. Last evaluated: 2022-01-01. Review status: flagged submission. Criteria: ACMG Guidelines, 2015. Collection method: clinical testing. Allele origin: germline. Affected: yes. Not counted in ClinVar's aggregate classification.
ClinVar note: Reason: Outlier claim with insufficient supporting evidence

Fulgent Genetics
Classification: Uncertain significance for Breast-ovarian cancer, familial, susceptibility to, 1. Last evaluated: 2015-08-07. Review status: flagged submission. Criteria: ACMG Guidelines, 2015. Collection method: clinical testing. Allele origin: unknown. Inheritance: Autosomal dominant inheritance. Not counted in ClinVar's aggregate classification.
ClinVar note: Reason: Outlier claim with insufficient supporting evidence

Literature cited by the submitters: PubMed 9510469 (cited by 5 submitters); PubMed 17100994 (cited by 5 submitters); PubMed 27907908 (cited by 4 submitters); PubMed 31825140 (cited by Sema4 and Women's Health and Genetics/Laboratory Corporation of America, LabCorp); PubMed 32426482 (cited by Sema4); PubMed 32467295 (cited by Sema4 and Women's Health and Genetics/Laboratory Corporation of America, LabCorp); PubMed 30287823 (cited by Sema4 and Women's Health and Genetics/Laboratory Corporation of America, LabCorp); PubMed 28111427 (cited by Sema4 and Counsyl); PubMed 16267036 (cited by 3 submitters); PubMed 15385441 (cited by Women's Health and Genetics/Laboratory Corporation of America, LabCorp and Counsyl); PubMed 15235020 (cited by 4 submitters); PubMed 16949048 (cited by Women's Health and Genetics/Laboratory Corporation of America, LabCorp and Illumina Laboratory Services, Illumina); PubMed 25802882 (cited by 4 submitters); PubMed 10389907 (cited by Women's Health and Genetics/Laboratory Corporation of America, LabCorp); PubMed 8723683 (cited by Women's Health and Genetics/Laboratory Corporation of America, LabCorp); PubMed 25823446 (cited by 5 submitters); PubMed 27741520 (cited by 5 submitters); PubMed 28364669 (cited by Women's Health and Genetics/Laboratory Corporation of America, LabCorp and Counsyl); PubMed 29215753 (cited by Women's Health and Genetics/Laboratory Corporation of America, LabCorp); PubMed 30093976 (cited by Women's Health and Genetics/Laboratory Corporation of America, LabCorp); PubMed 29667044 (cited by Women's Health and Genetics/Laboratory Corporation of America, LabCorp); PubMed 33309985 (cited by Women's Health and Genetics/Laboratory Corporation of America, LabCorp); PubMed 33875706 (cited by Women's Health and Genetics/Laboratory Corporation of America, LabCorp); PubMed 25525159 (cited by Ambry Genetics); PubMed 26332594 (cited by 4 submitters); PubMed 26206375 (cited by Counsyl); PubMed 27498913 (cited by Counsyl); PubMed 28480178 (cited by Counsyl).